The following is an entry in ClinVar:

ClinVar aggregate classification (germline): Conflicting classifications of pathogenicity. Review status: criteria provided, conflicting classifications (1 of 4 stars). 2 submissions from 2 submitters: Uncertain significance (1); Likely benign (1). Last evaluated 2025-07-01.

Conditions:
Inborn genetic diseases. Identifiers: MedGen C0950123, MeSH D030342.

gnomAD v4.1: 31 of 1,607,606 alleles (0.0019%); highest among the groups gnomAD compares: Non-Finnish European, 0.0024%; no homozygotes.

Submissions (2):

CeGaT Center for Human Genetics Tuebingen
Classification: Likely benign. Last evaluated: 2025-07-01. Review status: criteria provided, single submitter. Criteria: CeGaT Center For Human Genetics Tuebingen Variant Classification Criteria Version 2. Collection method: clinical testing. Allele origin: germline. Affected: yes. Observed: 1 variant allele.
Comment: SRRM2: BP4

Ambry Genetics
Classification: Uncertain significance for Inborn genetic diseases. Last evaluated: 2024-12-22. Review status: criteria provided, single submitter. Criteria: Ambry Variant Classification Scheme 2023. Collection method: clinical testing. Allele origin: germline.

NM_016333.4(SRRM2):c.8122C>T (p.Arg2708Trp)

Gene: SRRM2 (serine/arginine repetitive matrix 2; plus strand). Cytogenetic location: 16p13.3.
Variant type: single nucleotide variant.
Coding change: c.8122C>T on transcript NM_016333.4 (MANE Select); coding-DNA position 8122, C replaced by T.
Protein change: p.Arg2708Trp; replaces arginine 2708 with tryptophan.
Molecular consequence: missense variant.
Genome position (GRCh38, 1-based): chr16:2,770,452, C>T. VCF-style: chr16-2770452-C-T. GRCh37 (hg19) VCF-style: chr16-2820453-C-T.
Other names: short protein forms R2708W.
Identifiers: ClinVar variation 3801609 (VCV003801609.9).